The following is an entry in ClinVar:

NM_017841.4(SDHAF2):c.*49A>G

Gene: SDHAF2 (succinate dehydrogenase complex assembly factor 2; plus strand). Cytogenetic location: 11q12.2.
Variant type: single nucleotide variant.
Coding change: c.*49A>G on transcript NM_017841.4 (MANE Select); 49 bases downstream of the stop codon, A replaced by G.
Molecular consequence: 3 prime UTR variant.
Genome position (GRCh38, 1-based): chr11:61,446,120, A>G. VCF-style: chr11-61446120-A-G. GRCh37 (hg19) VCF-style: chr11-61213592-A-G.
Identifiers: ClinVar variation 305093 (VCV000305093.6), dbSNP rs549312009, ClinGen allele CA059465.

ClinVar aggregate classification (germline): Benign/Likely benign. Review status: criteria provided, multiple submitters, no conflicts (2 of 4 stars). 2 submissions from 2 submitters: Benign (1); Likely benign (1). Last evaluated 2020-09-16.

Conditions:
Hereditary pheochromocytoma and paraganglioma. Also called: Hereditary Paraganglioma-Pheochromocytoma Syndromes; Hereditary paragangliomas and pheochromocytomas; Hereditary pheochromocytoma-paraganglioma. Identifiers: Orphanet 29072, MedGen C4274332, MONDO:0017366.

Allele frequency attached by ClinVar (database versions not stated): gnomAD 0.00004 and 0.00042; TOPMed 0.00007; gnomAD exomes 0.00068 and 0.00133; ExAC 0.00152; 1000 Genomes Project 0.00180; 1000 Genomes Project 30x 0.00187.

Submissions (2):

GeneDx
Classification: Likely benign. Last evaluated: 2020-09-16. Review status: criteria provided, single submitter. Criteria: GeneDx Variant Classification Process June 2021. Collection method: clinical testing. Allele origin: germline. Affected: yes.
Comment: See Variant Classification Assertion Criteria.

Illumina Laboratory Services, Illumina
Classification: Benign for Hereditary Paraganglioma-Pheochromocytoma Syndromes. Last evaluated: 2018-01-13. Review status: criteria provided, single submitter. Criteria: ICSL Variant Classification Criteria 13 December 2019. Collection method: clinical testing. Allele origin: germline.
Comment: This variant was observed in the ICSL laboratory as part of a predisposition screen in an ostensibly healthy population. It had not been previously curated by ICSL or reported in the Human Gene Mutation Database (HGMD: prior to June 1st, 2018), and was therefore a candidate for classification through an automated scoring system. Utilizing variant allele frequency, disease prevalence and penetrance estimates, and inheritance mode, an automated score was calculated to assess if this variant is too frequent to cause the disease. Based on the score and internal cut-off values, a variant classified as benign is not then subjected to further curation. The score for this variant resulted in a classification of benign for this disease.